The following is an entry in ClinVar:

ClinVar aggregate classification (germline): Uncertain significance. Review status: criteria provided, multiple submitters, no conflicts (2 of 4 stars). 2 submissions from 2 submitters: Uncertain significance (2). Last evaluated 2025-10-28.

Conditions:
Developmental and epileptic encephalopathy, 53. Also called: Epileptic encephalopathy, early infantile, 53. Identifiers: MedGen C4479313, MONDO:0033362, OMIM 617389.
Early-onset Parkinson disease 20. Also called: PARKINSON DISEASE 20, AUTOSOMAL RECESSIVE EARLY-ONSET. Identifiers: Orphanet 391411, MedGen C3809824, MONDO:0014233, OMIM 615530.
Inborn genetic diseases. Identifiers: MedGen C0950123, MeSH D030342.

Submissions (2):

Ambry Genetics
Classification: Uncertain significance for Inborn genetic diseases. Last evaluated: 2025-10-28. Review status: criteria provided, single submitter. Criteria: Ambry Variant Classification Scheme 2023. Collection method: clinical testing. Allele origin: germline.

Labcorp Genetics (formerly Invitae), Labcorp
Classification: Uncertain significance for Developmental and epileptic encephalopathy, 53; Early-onset Parkinson disease 20. Last evaluated: 2024-02-23. Review status: criteria provided, single submitter. Criteria: Invitae Variant Classification Sherloc (09022015). Collection method: clinical testing. Allele origin: germline.
Comment: This sequence change replaces lysine, which is basic and polar, with arginine, which is basic and polar, at codon 511 of the SYNJ1 protein (p.Lys511Arg). This variant is not present in population databases (gnomAD no frequency). This variant has not been reported in the literature in individuals affected with SYNJ1-related conditions. ClinVar contains an entry for this variant (Variation ID: 1402285). Advanced modeling of protein sequence and biophysical properties (such as structural, functional, and spatial information, amino acid conservation, physicochemical variation, residue mobility, and thermodynamic stability) performed at Invitae indicates that this missense variant is expected to disrupt SYNJ1 protein function with a positive predictive value of 80%. In summary, the available evidence is currently insufficient to determine the role of this variant in disease. Therefore, it has been classified as a Variant of Uncertain Significance.

NM_203446.3(SYNJ1):c.1415A>G (p.Lys472Arg)

Gene: SYNJ1 (synaptojanin 1; minus strand). Cytogenetic location: 21q22.11.
Variant type: single nucleotide variant.
Coding change: c.1415A>G on transcript NM_203446.3 (MANE Select); coding-DNA position 1415, A replaced by G.
Protein change: p.Lys472Arg; replaces lysine 472 with arginine.
Molecular consequence: missense variant.
Genome position (GRCh38, 1-based): chr21:32,678,740, T>C on the plus strand (A>G on the coding strand, the complement: SYNJ1 is on the minus strand). VCF-style: chr21-32678740-T-C. GRCh37 (hg19) VCF-style: chr21-34051050-T-C.
Other names: c.1415A>G, p.Lys472Arg (NM_001160302.2); c.1424A>G, p.Lys475Arg (NM_001160306.2); c.1532A>G, p.Lys511Arg (NM_003895.4); short protein forms K472R, K475R, K511R.
Identifiers: ClinVar variation 1402285 (VCV001402285.7), dbSNP rs2146025295, ClinGen allele CA410089482.